The following is an entry in ClinVar:

ClinVar aggregate classification (germline): Pathogenic (1 of 4 stars; one submission).

Conditions:
Fabry disease. Also called: ALPHA-GALACTOSIDASE A DEFICIENCY; ANDERSON-FABRY DISEASE; CERAMIDE TRIHEXOSIDASE DEFICIENCY; GLA DEFICIENCY; HEREDITARY DYSTOPIC LIPIDOSIS; Angiokeratoma corporis diffusum. Identifiers: Orphanet 324, MedGen C0002986, MONDO:0010526, OMIM 301500, HP:0001071. Disease mechanism: Fabry disease is due to inactivating mutations in the X-linked GLA gene resulting in deficiency of the enzyme Alpha Galactosidase-A., loss of function.

Submission:

Genomenon, Inc
Classification: Pathogenic for Fabry disease. Last evaluated: 2026-09-08. Review status: criteria provided, single submitter. Criteria: Genomenon Sequence Variant Interpretation Standards - Updated. Collection method: curation. Allele origin: germline. Affected: yes.
Comment: GLA p.Ser247ArgfsTer5 (c.738_775del) is a frameshift variant that is predicted to introduce a premature termination codon and result in a truncated or absent protein product. This variant has been observed in at least one proband with clinical features consistent with Fabry disease (PMID:39609713). Functional or patient cell studies have been reported (PMID:39609713). It is absent or not present at a significant frequency in gnomAD. In conclusion, we classify GLA p.Ser247ArgfsTer5 (c.738_775del) as a pathogenic variant.

Literature cited by the submitters: PubMed 39609713.

NM_000169.3(GLA):c.738_775del (p.Ser247fs)

Genes: GLA (galactosidase alpha; minus strand), RPL36A-HNRNPH2 (RPL36A-HNRNPH2 readthrough; plus strand). Cytogenetic location: Xq22.1.
Variant type: Deletion.
Coding change: c.738_775del on transcript NM_000169.3 (MANE Select); coding-DNA positions 738 to 775, 38 bases deleted.
Protein change: p.Ser247fs; shifts the reading frame from serine 247.
Molecular consequence: frameshift variant. On other transcripts: non-coding transcript variant (3), intron variant (2).
Genome position (GRCh38, 1-based): chrX:101,398,811-101,398,848, 38 bases deleted; deleting any 38 consecutive bases within chrX:101,398,811-101,398,854 gives the same sequence; the c. name uses the placement nearest the transcript's 3' end. GRCh37 (hg19): chrX:100,653,805-100,653,842.
Other names: c.861_898del, p.Ser288fs (NM_001406747.1); c.738_775del, p.Ser247fs (NM_001406748.1); c.300+3360_300+3397del (NM_001199973.2); c.177+6995_177+7032del (NM_001199974.2); short protein forms S247fs, S288fs.
Identifiers: ClinVar variation 4086998 (VCV004086998.2).
Genomic context (GRCh38, chrX:101,398,810, plus strand): 5'-GCAGGGTCTTGAACAAGGAGGGCTCAAGTTTTTACCATATCTGGGTCATTCCAACCCCCT[GGTCCAGCAACATCAACAATTCTCTCCTGGTTAAAAGAT>G]GTCCAGTCCAAGATACTCTTTATACTTTTCCAGGAATCATCAATGTCAGCAAAATTTCGC-3'